The following is an entry in ClinVar:

NM_024422.6(DSC2):c.1215A>T (p.Lys405Asn)

Gene: DSC2 (desmocollin 2; minus strand). Cytogenetic location: 18q12.1.
Variant type: single nucleotide variant.
Coding change: c.1215A>T on transcript NM_024422.6 (MANE Select); coding-DNA position 1215, A replaced by T.
Protein change: p.Lys405Asn; replaces lysine 405 with asparagine.
Molecular consequence: missense variant.
Genome position (GRCh38, 1-based): chr18:31,082,286, T>A on the plus strand (A>T on the coding strand, the complement: DSC2 is on the minus strand). VCF-style: chr18-31082286-T-A. GRCh37 (hg19) VCF-style: chr18-28662252-T-A.
Other names: c.1215A>T, p.Lys405Asn (NM_004949.5); short protein forms K405N.
Identifiers: ClinVar variation 924022 (VCV000924022.11), dbSNP rs781472939, ClinGen allele CA030292.

ClinVar aggregate classification (germline): Uncertain significance. Review status: criteria provided, multiple submitters, no conflicts (2 of 4 stars). 3 submissions from 3 submitters: Uncertain significance (3). Last evaluated 2026-03-27.

Conditions:
Cardiomyopathy (CMYO). Also called: Cardiomyopathies. Identifiers: Orphanet 167848, MedGen C0878544, MONDO:0004994, HP:0001638. Inheritance: Various modes of inheritance.
Arrhythmogenic right ventricular dysplasia 11. Also called: Arrhythmogenic Right Ventricular Dysplasia/Cardiomyopathy11; Arrhythmogenic right ventricular dysplasia 11 with mild palmoplantar keratoderma and woolly hair; ARRHYTHMOGENIC RIGHT VENTRICULAR DYSPLASIA, FAMILIAL, 11. Identifiers: MedGen C1864850, MONDO:0012506, OMIM 610476.

Allele frequency attached by ClinVar (database versions not stated): ExAC 0.00001; gnomAD exomes below 0.00001.
gnomAD v4.1: 1 of 1,613,794 alleles (0.000062%); highest among the groups gnomAD compares: East Asian, 0.0022%; no homozygotes.

Submissions (3):

GeneDx
Classification: Uncertain significance. Last evaluated: 2026-03-27. Review status: criteria provided, single submitter. Criteria: GeneDx Variant Classification Process June 2021. Collection method: clinical testing. Allele origin: germline.
Comment: Not observed at significant frequency in large population cohorts (gnomAD); In silico analysis supports that this missense variant has a deleterious effect on protein structure/function; Has not been previously published as pathogenic or benign to our knowledge

Color Diagnostics, LLC DBA Color Health
Classification: Uncertain significance for Cardiomyopathy. Last evaluated: 2023-12-05. Review status: criteria provided, single submitter. Criteria: ACMG Guidelines, 2015. Collection method: clinical testing. Allele origin: germline.
Comment: This missense variant replaces lysine with asparagine at codon 405 of the DSC2 protein. Computational prediction tools and conservation analyses are inconclusive regarding the impact of this variant on the protein function. Computational splicing tools suggest that this variant may not impact RNA splicing. To our knowledge, functional assays have not been performed for this variant nor has this variant been reported in individuals affected with cardiovascular disorders in the literature. This variant has been identified in 1/250938 chromosomes in the general population by the Genome Aggregation Database (gnomAD). Available evidence is insufficient to determine the role of this variant in disease conclusively. Therefore, this variant is classified as a Variant of Uncertain Significance.

Labcorp Genetics (formerly Invitae), Labcorp
Classification: Uncertain significance for Arrhythmogenic right ventricular dysplasia 11. Last evaluated: 2021-10-04. Review status: criteria provided, single submitter. Criteria: Invitae Variant Classification Sherloc (09022015). Collection method: clinical testing. Allele origin: germline.
Comment: In summary, the available evidence is currently insufficient to determine the role of this variant in disease. Therefore, it has been classified as a Variant of Uncertain Significance. Algorithms developed to predict the effect of missense changes on protein structure and function are either unavailable or do not agree on the potential impact of this missense change (SIFT: "Tolerated"; PolyPhen-2: "Probably Damaging"; Align-GVGD: "Class C0"). ClinVar contains an entry for this variant (Variation ID: 924022). This variant has not been reported in the literature in individuals affected with DSC2-related conditions. The frequency data for this variant in the population databases is considered unreliable, as metrics indicate poor data quality at this position in the ExAC database. This sequence change replaces lysine with asparagine at codon 405 of the DSC2 protein (p.Lys405Asn). The lysine residue is moderately conserved and there is a moderate physicochemical difference between lysine and asparagine.